The following is an entry in ClinVar:

ClinVar aggregate classification (germline): Pathogenic (1 of 4 stars; one submission).

Conditions:
Glycogen storage disease, type IV (GSD4). Also called: AMYLOPECTINOSIS; ANDERSEN DISEASE; BRANCHER DEFICIENCY; CIRRHOSIS, FAMILIAL, WITH DEPOSITION OF ABNORMAL GLYCOGEN; GBE1 DEFICIENCY; GLYCOGEN BRANCHING ENZYME DEFICIENCY. Identifiers: Orphanet 367, MedGen C0017923, MONDO:0009292, OMIM 232500.
Glycogen storage disease IV, classic hepatic. Also called: GSD IV, CLASSIC HEPATIC. Identifiers: MedGen C1856301.

Submission:

Labcorp Genetics (formerly Invitae), Labcorp
Classification: Pathogenic for Glycogen storage disease, type IV; Glycogen storage disease IV, classic hepatic. Last evaluated: 2023-12-05. Review status: criteria provided, single submitter. Criteria: Invitae Variant Classification Sherloc (09022015). Collection method: clinical testing. Allele origin: germline.
Comment: This sequence change creates a premature translational stop signal (p.Trp345*) in the GBE1 gene. It is expected to result in an absent or disrupted protein product. Loss-of-function variants in GBE1 are known to be pathogenic (PMID: 15452297, 20058079). This variant is not present in population databases (gnomAD no frequency). This variant has not been reported in the literature in individuals affected with GBE1-related conditions. For these reasons, this variant has been classified as Pathogenic.

Literature cited by the submitters: PubMed 15452297; PubMed 20058079.

NM_000158.4(GBE1):c.1034G>A (p.Trp345Ter)

Gene: GBE1 (1,4-alpha-glucan branching enzyme 1; minus strand). Cytogenetic location: 3p12.2.
Variant type: single nucleotide variant.
Coding change: c.1034G>A on transcript NM_000158.4 (MANE Select); coding-DNA position 1034, G replaced by A.
Protein change: p.Trp345Ter; replaces tryptophan 345 with a stop codon.
Molecular consequence: nonsense.
Genome position (GRCh38, 1-based): chr3:81,593,982, C>T on the plus strand (G>A on the coding strand, the complement: GBE1 is on the minus strand). VCF-style: chr3-81593982-C-T. GRCh37 (hg19) VCF-style: chr3-81643133-C-T.
Other names: short protein forms W345*.
Identifiers: ClinVar variation 2932273 (VCV002932273.3), dbSNP rs1248821695, ClinGen allele CA353685879.
Genomic context (GRCh38, chr3:81,593,982, plus strand): 5'-TGATAAAGCATGGACGTAACACCATCAAAACGAAATCCATCAAAGCGATATTCTTCCAAC[C>T]ACCATCTTATGTTTGACAGAAGGAATCTTAAAATTTCCCAGCTAAAATATAAGAGAAATA-3'